The following is an entry in ClinVar:

NM_001103146.3(GIGYF2):c.609T>C (p.Asn203=)

Gene: GIGYF2 (GRB10 interacting GYF protein 2; plus strand). Cytogenetic location: 2q37.1.
Variant type: single nucleotide variant.
Coding change: c.609T>C on transcript NM_001103146.3 (MANE Select); coding-DNA position 609, T replaced by C.
Protein change: p.Asn203=; no amino-acid change (asparagine 203 retained).
Molecular consequence: synonymous variant. On other transcripts: non-coding transcript variant (1).
Genome position (GRCh38, 1-based): chr2:232,787,226, T>C. VCF-style: chr2-232787226-T-C. GRCh37 (hg19) VCF-style: chr2-233651936-T-C.
Other names: c.675T>C, p.Asn225= (NM_001103147.2); c.609T>C, p.Asn203= (NM_001103148.2, NM_015575.4).
Identifiers: ClinVar variation 4997712 (VCV004997712.1).

ClinVar aggregate classification (germline): Likely benign (1 of 4 stars; one submission).

Conditions:
GIGYF2-related disorder. Also called: GIGYF2-related condition.

gnomAD v4.1: 30 of 1,613,686 alleles (0.0019%); highest among the groups gnomAD compares: African/African-American, 0.011%; no homozygotes.

Submission:

PreventionGenetics, part of Exact Sciences
Classification: Likely benign for GIGYF2-related condition. Last evaluated: 2025-06-17. Review status: criteria provided, single submitter. Criteria: ACMG Guidelines, 2015. Collection method: clinical testing. Allele origin: germline.
Comment: This variant is classified as likely benign based on ACMG/AMP sequence variant interpretation guidelines (Richards et al. 2015 PMID: 25741868, with internal and published modifications).